The following is an entry in ClinVar:

ClinVar aggregate classification (germline): Uncertain significance (1 of 4 stars; one submission).

gnomAD v4.1: 2 of 1,613,754 alleles (0.00012%); no homozygotes.

Submission:

Labcorp Genetics (formerly Invitae), Labcorp
Classification: Uncertain significance. Last evaluated: 2024-10-15. Review status: criteria provided, single submitter. Criteria: Invitae Variant Classification Sherloc (09022015). Collection method: clinical testing. Allele origin: germline.
Comment: This sequence change falls in intron 8 of the RCBTB1 gene. It does not directly change the encoded amino acid sequence of the RCBTB1 protein. It affects a nucleotide within the consensus splice site. This variant is present in population databases (no rsID available, gnomAD 0.0009%). This variant has not been reported in the literature in individuals affected with RCBTB1-related conditions. ClinVar contains an entry for this variant (Variation ID: 1976398). Variants that disrupt the consensus splice site are a relatively common cause of aberrant splicing (PMID: 17576681, 9536098). Algorithms developed to predict the effect of sequence changes on RNA splicing suggest that this variant is not likely to affect RNA splicing. In summary, the available evidence is currently insufficient to determine the role of this variant in disease. Therefore, it has been classified as a Variant of Uncertain Significance.

Literature cited by the submitters: PubMed 17576681; PubMed 9536098.

NM_018191.4(RCBTB1):c.854+5C>T

Gene: RCBTB1 (RCC1 and BTB domain containing protein 1; minus strand). Cytogenetic location: 13q14.2.
Variant type: single nucleotide variant.
Coding change: c.854+5C>T on transcript NM_018191.4 (MANE Select); 5 bases into the intron after coding-DNA position 854, C replaced by T.
Molecular consequence: intron variant.
Genome position (GRCh38, 1-based): chr13:49,551,321, G>A on the plus strand (C>T on the coding strand, the complement: RCBTB1 is on the minus strand). VCF-style: chr13-49551321-G-A. GRCh37 (hg19) VCF-style: chr13-50125457-G-A.
Other names: c.854+5C>T (NM_001352501.2, NM_001352502.2, NM_001352503.2 and 3 more transcripts); c.275+5C>T (NM_001352506.2).
Identifiers: ClinVar variation 1976398 (VCV001976398.5), dbSNP rs1234017296, ClinGen allele CA609608276.